The following is an entry in ClinVar:

ClinVar aggregate classification (germline): Conflicting classifications of pathogenicity. Review status: criteria provided, conflicting classifications (1 of 4 stars). 14 submissions from 14 submitters: Uncertain significance (10); Likely benign (2). 2 of the submissions do not count toward it. Last evaluated 2026-01-01.

Conditions:
BRCA2-related cancer predisposition. Identifiers: MedGen CN377758, MONDO:0700269.
Breast and/or ovarian cancer. Identifiers: MedGen CN221562.
Hereditary cancer-predisposing syndrome. Also called: Tumor predisposition; Neoplastic Syndromes, Hereditary; Hereditary Cancer Syndrome; Hereditary neoplastic syndrome. Identifiers: Orphanet 140162, MedGen C0027672, MeSH D009386, MONDO:0015356.
Hereditary breast ovarian cancer syndrome. Also called: Hereditary breast and ovarian cancer; Hereditary breast and ovarian cancer syndrome (HBOC); Breast and ovarian cancer; Hereditary breast and/or ovarian cancer syndrome; BRCA1- and BRCA2-Associated Hereditary Breast and Ovarian Cancer; Hereditary breast and ovarian cancer syndrome. Identifiers: Orphanet 145, MedGen C0677776, MeSH D061325, MONDO:0003582. Disease mechanism: loss of function.
Breast-ovarian cancer, familial, susceptibility to, 2 (BROVCA2). Also called: BRCA2 Hereditary Breast and Ovarian Cancer. Identifiers: Orphanet 145, MedGen C2675520, MONDO:0012933, OMIM 612555. Disease mechanism: loss of function.

Allele frequency attached by ClinVar (database versions not stated): gnomAD 0.00001; TOPMed 0.00002.
gnomAD v4.1: 7 of 1,613,848 alleles (0.00043%); highest among the groups gnomAD compares: Non-Finnish European, 0.00059%; no homozygotes.

Submissions (14):

CeGaT Center for Human Genetics Tuebingen
Classification: Uncertain significance. Last evaluated: 2026-01-01. Review status: criteria provided, single submitter. Criteria: CeGaT Center For Human Genetics Tuebingen Variant Classification Criteria Version 2. Collection method: clinical testing. Allele origin: germline. Affected: yes. Observed: 1 variant allele.
Comment: BRCA2: PM2, BP1, BP4

Quest Diagnostics Nichols Institute San Juan Capistrano
Classification: Uncertain significance. Last evaluated: 2025-03-22. Review status: criteria provided, single submitter. Criteria: Quest Diagnostics criteria. Collection method: clinical testing. Allele origin: unknown.
Comment: The BRCA2 c.2348T>G (p.Val783Gly) variant has been reported in the published literature in an individual affected with prostate cancer (PMID: 28259476 (2017)) and an individual suspected of hereditary breast and/or ovarian cancer (PMID: 31409081 (2019)). This variant has also been observed in reportedly healthy individuals (PMID: 33471991 (2021), see also LOVD). This variant was reported as being likely benign in a multifactorial likelihood study (PMID: 31131967 (2019)), and described to be located in a region of the BRCA2 gene that is tolerant to missense sequence changes (PMID: 31911673 (2020)). The frequency of this variant in the general population (Genome Aggregation Database) is uninformative in the assessment of its pathogenicity. Analysis of this variant using bioinformatics tools for the prediction of the effect of amino acid changes on protein structure and function yielded predictions that this variant is benign. Based on the available information, we are unable to determine the clinical significance of this variant.

Color Diagnostics, LLC DBA Color Health
Classification: Uncertain significance for Hereditary cancer-predisposing syndrome. Last evaluated: 2024-12-18. Review status: criteria provided, single submitter. Criteria: ACMG Guidelines, 2015. Collection method: clinical testing. Allele origin: germline.
Comment: This missense variant replaces valine with glycine at codon 783 of the BRCA2 protein. Computational prediction suggests that this variant may not impact protein structure and function. To our knowledge, functional studies have not been reported for this variant. This variant has been reported in an individual affected with prostate cancer and in a suspected hereditary breast and ovarian cancer family (PMID: 28259476, 31409081). This variant has been detected in a breast cancer case-control meta-analysis in 2/53459 unaffected individuals and absent in 60466 cases (PMID: 33471991; Leiden Open Variation Database DB-ID BRCA2_002356). Multifactorial analyses has published likelihood ratios (LR) reaching a combined LR of 1.3889 based on the personal and family history of two carriers and co-occurrence with a pathogenic variant (PMID: 31131967, 31853058). This variant has been identified in 1/250824 chromosomes in the general population by the Genome Aggregation Database (gnomAD). The available evidence is insufficient to determine the role of this variant in disease conclusively. Therefore, this variant is classified as a Variant of Uncertain Significance.

Ambry Genetics
Classification: Uncertain significance for Hereditary cancer-predisposing syndrome. Last evaluated: 2024-12-10. Review status: criteria provided, single submitter. Criteria: Ambry Variant Classification Scheme 2023. Collection method: clinical testing. Allele origin: germline.
Comment: The p.V783G variant (also known as c.2348T>G), located in coding exon 10 of the BRCA2 gene, results from a T to G substitution at nucleotide position 2348. The valine at codon 783 is replaced by glycine, an amino acid with dissimilar properties. This amino acid position is not well conserved in available vertebrate species. In addition, this alteration is predicted to be tolerated by in silico analysis. Since supporting evidence is limited at this time, the clinical significance of this alteration remains unclear.

Labcorp Genetics (formerly Invitae), Labcorp
Classification: Likely benign for Hereditary breast ovarian cancer syndrome. Last evaluated: 2024-10-16. Review status: criteria provided, single submitter. Criteria: Invitae Variant Classification Sherloc (09022015). Collection method: clinical testing. Allele origin: germline.

Department of Pathology and Laboratory Medicine, Sinai Health System
Classification: Uncertain significance for BRCA2-related cancer predisposition. Last evaluated: 2023-10-04. Review status: criteria provided, single submitter. Criteria: ACMG Guidelines, 2015. Collection method: clinical testing. Allele origin: germline. Affected: yes.

All of Us Research Program, National Institutes of Health
Classification: Uncertain significance for Breast-ovarian cancer, familial, susceptibility to, 2. Last evaluated: 2023-08-08. Review status: criteria provided, single submitter. Criteria: ACMG Guidelines, 2015. Collection method: clinical testing. Allele origin: germline. Inheritance: Autosomal dominant inheritance. Observed: 5 variant alleles, 5 heterozygotes.
Comment: This missense variant replaces valine with glycine at codon 783 of the BRCA2 protein. Computational prediction suggests that this variant may not impact protein structure and function (internally defined REVEL score threshold <= 0.5, PMID: 27666373). To our knowledge, functional studies have not been reported for this variant. This variant has been reported in an individual affected with prostate cancer and in a suspected hereditary breast and ovarian cancer family (PMID: 28259476, 31409081). This variant has also been detected in a breast cancer case-control meta-analysis in 2/53459 unaffected individuals and absent in 60466 cases (PMID: 33471991; Leiden Open Variation Database DB-ID BRCA2_002356) and in a multifactorial analysis with co-occurrence and family history likelihood ratios for pathogenicity of 1.0498 and 0.3997, respectively, (PMID: 31131967). This variant has been identified in 1/250824 chromosomes in the general population by the Genome Aggregation Database (gnomAD). The available evidence is insufficient to determine the role of this variant in disease conclusively. Therefore, this variant is classified as a Variant of Uncertain Significance.

This study involves interpretation of variants in research participants for the purpose of population health screening. Participant phenotype was not available at the time of variant classification. Additional details can be found in publication PMID: 35346344, PMCID: PMC8962531

University of Washington Department of Laboratory Medicine, University of Washington
Classification: Likely benign for Hereditary cancer-predisposing syndrome. Last evaluated: 2023-03-23. Review status: criteria provided, single submitter. Criteria: Dines et al. (Genet Med. 2020). Collection method: curation. Allele origin: germline.
Comment: Missense variant in a coldspot region where missense variants are very unlikely to be pathogenic (PMID:31911673).

BRCA2 exon 11 coldspot. Reclassification based on statistical prior probability.

Women's Health and Genetics/Laboratory Corporation of America, LabCorp
Classification: Uncertain significance. Last evaluated: 2022-10-21. Review status: criteria provided, single submitter. Criteria: LabCorp Variant Classification Summary - May 2015. Collection method: clinical testing. Allele origin: germline.
Comment: Variant summary: BRCA2 c.2348T>G (p.Val783Gly) results in a non-conservative amino acid change in the encoded protein sequence. Three of five in-silico tools predict a benign effect of the variant on protein function. The variant allele was found at a frequency of 4e-06 in 250824 control chromosomes. The available data on variant occurrences in the general population are insufficient to allow any conclusion about variant significance. c.2348T>G has been reported in the literature in at least one individual affected with suspected Hereditary Breast And Ovarian Cancer Syndrome. This reports does not provide unequivocal conclusions about association of the variant with Hereditary Breast And Ovarian Cancer Syndrome. Co-occurrences with other pathogenic variants have been reported (BRCA1 c.5266dup/p.Gln1756ProfsX74 and BRCA1 c.5503C>T/p.R1835*), providing supporting evidence for a benign role. To our knowledge, no experimental evidence demonstrating an impact on protein function has been reported. Seven clinical diagnostic laboratories have submitted clinical-significance assessments for this variant to ClinVar after 2014 without evidence for independent evaluation. Multiple laboratories reported the variant with conflicting assessments (likely benign n=2, VUS n=5). Based on the evidence outlined above, the variant was classified as VUS-possibly benign.

GeneDx
Classification: Uncertain significance. Last evaluated: 2022-05-04. Review status: criteria provided, single submitter. Criteria: GeneDx Variant Classification Process June 2021. Collection method: clinical testing. Allele origin: germline. Affected: yes.
Comment: Not observed at significant frequency in large population cohorts (gnomAD); In silico analysis, which includes protein predictors and evolutionary conservation, supports a deleterious effect; Observed in individuals with prostate cancer (Annala 2017); Also known as 2576T>G; This variant is associated with the following publications: (PMID: 30212499, 31131967, 28259476)

Sema4
Classification: Uncertain significance for Hereditary cancer-predisposing syndrome. Last evaluated: 2021-07-21. Review status: criteria provided, single submitter. Criteria: Sema4 Curation Guidelines. Collection method: curation. Allele origin: germline.
Comment: The BRCA2 c.2348T>G (p.V783G) variant has been reported in an individual with metastatic prostate cancer (PMID: 28259476). It has also been reported in several healthy controls (PMID: 33471991). It was observed in 1/113338 chromosomes of the Non-Finnish European subpopulation in the large and broad cohorts of the Genome Aggregation Database (PMID: 32461654). The variant has been reported in ClinVar (Variation ID 187537). Functional studies have not been performed and in silico predictions of the variant's effect on protein function are inconclusive. The evidence is insufficient to meet ACMG/AMP criteria for classifying the variant as benign or pathogenic. Thus, the clinical significance of this variant is currently uncertain.

CHEO Genetics Diagnostic Laboratory, Children's Hospital of Eastern Ontario
Classification: Uncertain significance for Breast and/or ovarian cancer. Last evaluated: 2021-07-02. Review status: criteria provided, single submitter. Criteria: ACMG Guidelines, 2015. Collection method: clinical testing. Allele origin: germline.

Counsyl
Classification: Uncertain significance for Breast-ovarian cancer, familial, susceptibility to, 2. Last evaluated: 2015-12-13. Review status: no assertion criteria provided. Collection method: clinical testing. Allele origin: unknown. Not counted in ClinVar's aggregate classification.

Sharing Clinical Reports Project (SCRP)
Classification: Likely benign for Breast-ovarian cancer, familial 2. Last evaluated: 2013-06-01. Review status: no assertion criteria provided. Collection method: clinical testing. Allele origin: germline. Not counted in ClinVar's aggregate classification.

Literature cited by the submitters: PubMed 28259476 (cited by 4 submitters); PubMed 31131967 (cited by 3 submitters); PubMed 31409081 (cited by 4 submitters); PubMed 31911673 (cited by Quest Diagnostics Nichols Institute San Juan Capistrano); PubMed 33471991 (cited by 5 submitters); PubMed 31853058 (cited by Color Diagnostics, LLC DBA Color Health); PubMed 28259746 (cited by Department of Pathology and Laboratory Medicine, Sinai Health System).

NM_000059.4(BRCA2):c.2348T>G (p.Val783Gly)

Gene: BRCA2 (BRCA2 DNA repair associated; plus strand). Cytogenetic location: 13q13.1.
Variant type: single nucleotide variant.
Coding change: c.2348T>G on transcript NM_000059.4 (MANE Select); coding-DNA position 2348, T replaced by G.
Protein change: p.Val783Gly; replaces valine 783 with glycine.
Molecular consequence: missense variant.
Genome position (GRCh38, 1-based): chr13:32,336,703, T>G. VCF-style: chr13-32336703-T-G. GRCh37 (hg19) VCF-style: chr13-32910840-T-G.
Other names: 2576T>G; short protein forms V783G.
Identifiers: ClinVar variation 187537 (VCV000187537.42), dbSNP rs768143929, ClinGen allele CA015013.